The following is an entry in ClinVar:

ClinVar aggregate classification (germline): Uncertain significance. Review status: criteria provided, multiple submitters, no conflicts (2 of 4 stars). 3 submissions from 3 submitters: Uncertain significance (3). Last evaluated 2025-11-03.

Allele frequency attached by ClinVar (database versions not stated): 1000 Genomes Project 30x 0.00016; 1000 Genomes Project 0.00020; ExAC 0.00068; TOPMed 0.00068; gnomAD 0.00074 and 0.00083; gnomAD exomes 0.00075; ESP Exome Variant Server 0.00085.
gnomAD v4.1: 1,429 of 1,608,976 alleles (0.089%); highest among the groups gnomAD compares: Non-Finnish European, 0.11%; 1 homozygote.

Submissions (3):

Labcorp Genetics (formerly Invitae), Labcorp
Classification: Uncertain significance. Last evaluated: 2025-11-03. Review status: criteria provided, single submitter. Criteria: Invitae Variant Classification Sherloc (09022015). Collection method: clinical testing. Allele origin: germline.
Comment: This sequence change replaces arginine, which is basic and polar, with lysine, which is basic and polar, at codon 844 of the SULF1 protein (p.Arg844Lys). This variant is present in population databases (rs139106228, gnomAD 0.2%), and has an allele count higher than expected for a pathogenic variant. This variant has not been reported in the literature in individuals affected with SULF1-related conditions. ClinVar contains an entry for this variant (Variation ID: 287529). An algorithm developed to predict the effect of missense changes on protein structure and function (PolyPhen-2) suggests that this variant is likely to be tolerated. In summary, the available evidence is currently insufficient to determine the role of this variant in disease. Therefore, it has been classified as a Variant of Uncertain Significance.

Ambry Genetics
Classification: Uncertain significance. Last evaluated: 2021-08-02. Review status: criteria provided, single submitter. Criteria: Ambry Variant Classification Scheme 2023. Collection method: clinical testing. Allele origin: germline.

Eurofins Ntd Llc (ga)
Classification: Uncertain significance. Last evaluated: 2016-05-03. Review status: criteria provided, single submitter. Criteria: EGL Classification Definitions 2015. Collection method: clinical testing. Allele origin: germline. Observed: 2 variant alleles, 2 heterozygotes.

NM_001128205.2(SULF1):c.2531G>A (p.Arg844Lys)

Gene: SULF1 (sulfatase 1; plus strand). Cytogenetic location: 8q13.3.
Variant type: single nucleotide variant.
Coding change: c.2531G>A on transcript NM_001128205.2 (MANE Select); coding-DNA position 2531, G replaced by A.
Protein change: p.Arg844Lys; replaces arginine 844 with lysine.
Molecular consequence: missense variant. On other transcripts: non-coding transcript variant (3).
Genome position (GRCh38, 1-based): chr8:69,638,838, G>A. VCF-style: chr8-69638838-G-A. GRCh37 (hg19) VCF-style: chr8-70551073-G-A.
Other names: c.2531G>A (NM_001128205.1); c.2531G>A, p.Arg844Lys (NM_001128204.2, NM_001128206.2, NM_015170.3); short protein forms R844K.
Identifiers: ClinVar variation 287529 (VCV000287529.11), dbSNP rs139106228, ClinGen allele CA4776175.
Genomic context (GRCh38, chr8:69,638,838, plus strand): 5'-AGCTACACGTACAACTAATGGAGCTCAGAAGCTGTCAAGGATATAAGCAGTGCAACCCAA[G>A]ACCTAAGAATCTTGATGTTGGTAAGGAAAAAAATACTATTTTTTCTATTTTACCTGGAAA-3'
Protein context (NP_001121677.1, residues 834-854): SCQGYKQCNP[Arg844Lys]PKNLDVGNKD